The following is an entry in ClinVar:

ClinVar aggregate classification (germline): Uncertain significance (1 of 4 stars; one submission).

Conditions:
Cardiovascular phenotype. Identifiers: MedGen CN230736.
Hereditary cancer-predisposing syndrome. Also called: Tumor predisposition; Hereditary Cancer Syndrome; Neoplastic Syndromes, Hereditary; Hereditary neoplastic syndrome. Identifiers: Orphanet 140162, MedGen C0027672, MeSH D009386, MONDO:0015356.

Allele frequency attached by ClinVar (database versions not stated): ExAC 0.00001.
gnomAD v4.1: 1 of 1,586,428 alleles (0.000063%); highest among the groups gnomAD compares: Non-Finnish European, 0.000087%; no homozygotes.

Submission:

Ambry Genetics
Classification: Uncertain significance for Cardiovascular phenotype; Hereditary cancer-predisposing syndrome. Last evaluated: 2022-01-03. Review status: criteria provided, single submitter. Criteria: Ambry Variant Classification Scheme 2023. Collection method: clinical testing. Allele origin: germline.
Comment: The c.288+4A>C intronic variant results from an A to C substitution 4 nucleotides after coding exon 3 in the NF1 gene. This nucleotide position is well conserved in available vertebrate species. In silico splice site analysis predicts that this alteration will weaken the native splice donor site; however, direct evidence is insufficient at this time (Ambry internal data). Since supporting evidence is limited at this time, the clinical significance of this alteration remains unclear.

NM_001042492.3(NF1):c.288+4A>C

Gene: NF1 (neurofibromin 1; plus strand). Cytogenetic location: 17q11.2.
Variant type: single nucleotide variant.
Coding change: c.288+4A>C on transcript NM_001042492.3 (MANE Select); 4 bases into the intron after coding-DNA position 288, A replaced by C.
Molecular consequence: intron variant.
Genome position (GRCh38, 1-based): chr17:31,159,097, A>C. VCF-style: chr17-31159097-A-C. GRCh37 (hg19) VCF-style: chr17-29486115-A-C.
Other names: c.288+4A>C (NM_000267.4, NM_001128147.3).
Identifiers: ClinVar variation 1797164 (VCV001797164.2), dbSNP rs781459468, ClinGen allele CA8485511.